The following is an entry in ClinVar:

NM_000059.4(BRCA2):c.7090G>A (p.Glu2364Lys)

Gene: BRCA2 (BRCA2 DNA repair associated; plus strand). Cytogenetic location: 13q13.1.
Variant type: single nucleotide variant.
Coding change: c.7090G>A on transcript NM_000059.4 (MANE Select); coding-DNA position 7090, G replaced by A.
Protein change: p.Glu2364Lys; replaces glutamic acid 2364 with lysine.
Molecular consequence: missense variant.
Genome position (GRCh38, 1-based): chr13:32,354,943, G>A. VCF-style: chr13-32354943-G-A. GRCh37 (hg19) VCF-style: chr13-32929080-G-A.
Other names: short protein forms E2364K.
Identifiers: ClinVar variation 52266 (VCV000052266.38), dbSNP rs80358940, ClinGen allele CA024858.

ClinVar aggregate classification (germline): Conflicting classifications of pathogenicity. Review status: criteria provided, conflicting classifications (1 of 4 stars). 14 submissions from 14 submitters: Uncertain significance (10); Likely benign (1). 3 of the submissions do not count toward it. Last evaluated 2026-01-28.

Conditions:
Fanconi anemia complementation group D1. Also called: BRCA2-Related Fanconi Anemia. Identifiers: Orphanet 319462, MedGen C1838457, MONDO:0011584, OMIM 605724.
Hereditary breast ovarian cancer syndrome. Also called: Hereditary breast and/or ovarian cancer syndrome; Breast and ovarian cancer; Hereditary breast and ovarian cancer; Hereditary breast and ovarian cancer syndrome (HBOC); Hereditary breast and ovarian cancer syndrome; BRCA1- and BRCA2-Associated Hereditary Breast and Ovarian Cancer. Identifiers: Orphanet 145, MedGen C0677776, MeSH D061325, MONDO:0003582. Disease mechanism: loss of function.
BRCA2-related disorder. Also called: BRCA2-related condition; BRCA2-related disorders. Identifiers: MedGen CN239275.
BRCA2-related cancer predisposition. Identifiers: MedGen CN377758, MONDO:0700269.
Hereditary cancer-predisposing syndrome. Also called: Hereditary neoplastic syndrome; Tumor predisposition; Hereditary Cancer Syndrome; Neoplastic Syndromes, Hereditary. Identifiers: Orphanet 140162, MedGen C0027672, MeSH D009386, MONDO:0015356.
Breast-ovarian cancer, familial, susceptibility to, 2 (BROVCA2). Also called: BRCA2 Hereditary Breast and Ovarian Cancer. Identifiers: Orphanet 145, MedGen C2675520, MONDO:0012933, OMIM 612555. Disease mechanism: loss of function.
Familial cancer of breast. Also called: Hereditary breast cancer; hereditary breast carcinoma; BREAST CANCER, FAMILIAL. Identifiers: Orphanet 227535, MedGen C0346153, MONDO:0016419, OMIM 114480. Disease mechanism: loss of function.

Allele frequency attached by ClinVar (database versions not stated): gnomAD exomes below 0.00001; TOPMed 0.00001; gnomAD 0.00001.
gnomAD v4.1: 6 of 1,613,598 alleles (0.00037%); highest among the groups gnomAD compares: Non-Finnish European, 0.00051%; no homozygotes.

Submissions 1 to 8 of 14:

Labcorp Genetics (formerly Invitae), Labcorp
Classification: Uncertain significance for Hereditary breast ovarian cancer syndrome. Last evaluated: 2026-01-28. Review status: criteria provided, single submitter. Criteria: Invitae Variant Classification Sherloc (09022015). Collection method: clinical testing. Allele origin: germline.
Comment: This sequence change replaces glutamic acid, which is acidic and polar, with lysine, which is basic and polar, at codon 2364 of the BRCA2 protein (p.Glu2364Lys). This variant is present in population databases (rs80358940, gnomAD 0.0009%). This missense change has been observed in individual(s) with pancreatic cancer (PMID: 26483394). ClinVar contains an entry for this variant (Variation ID: 52266). Invitae Evidence Modeling of protein sequence and biophysical properties (such as structural, functional, and spatial information, amino acid conservation, physicochemical variation, residue mobility, and thermodynamic stability) indicates that this missense variant is not expected to disrupt BRCA2 protein function with a negative predictive value of 95%. In summary, the available evidence is currently insufficient to determine the role of this variant in disease. Therefore, it has been classified as a Variant of Uncertain Significance.

Myriad Genetics, Inc.
Classification: Likely benign for Breast-ovarian cancer, familial, susceptibility to, 2. Last evaluated: 2026-01-08. Review status: criteria provided, single submitter. Criteria: Myriad Autosomal Dominant, Autosomal Recessive and X-Linked Classification Criteria (2023). Collection method: clinical testing. Allele origin: unknown.
Comment: This variant is considered likely benign. This variant is strongly associated with less severe personal and family histories of cancer, typical for individuals without pathogenic variants in this gene [PMID: 25085752].

Ambry Genetics
Classification: Uncertain significance for Hereditary cancer-predisposing syndrome. Last evaluated: 2025-03-07. Review status: criteria provided, single submitter. Criteria: Ambry Variant Classification Scheme 2023. Collection method: clinical testing. Allele origin: germline.
Comment: The p.E2364K variant (also known as c.7090G>A), located in coding exon 13 of the BRCA2 gene, results from a G to A substitution at nucleotide position 7090. The glutamic acid at codon 2364 is replaced by lysine, an amino acid with similar properties. This alteration was identified in an individual diagnosed with pancreatic cancer (Hu C et al. Cancer Epidemiol Biomarkers Prev, 2016 Jan;25:207-11). This amino acid position is not well conserved in available vertebrate species. In addition, the in silico prediction for this alteration is inconclusive. Based on the available evidence, the clinical significance of this variant remains unclear.

Color Diagnostics, LLC DBA Color Health
Classification: Uncertain significance for Hereditary cancer-predisposing syndrome. Last evaluated: 2025-01-07. Review status: criteria provided, single submitter. Criteria: ACMG Guidelines, 2015. Collection method: clinical testing. Allele origin: germline.
Comment: This missense variant replaces glutamic acid with lysine at codon 2364 of the BRCA2 protein. Computational prediction suggests that this variant may not impact protein structure and function. To our knowledge, functional studies have not been reported for this variant. This variant has been reported in an individual affected with pancreatic cancer (PMID: 26483394). In a large breast cancer case-control study conducted by the BRIDGES consortium, this variant was reported in 1/60466 cases and 1/53461 unaffected controls (PMID: 33471991; Leiden Open Variation Database DB-ID BRCA2_007111). This variant has been identified in 1/251006 chromosomes in the general population by the Genome Aggregation Database (gnomAD). The available evidence is insufficient to determine the role of this variant in disease conclusively. Therefore, this variant is classified as a Variant of Uncertain Significance.

All of Us Research Program, National Institutes of Health
Classification: Uncertain significance for BRCA2-related cancer predisposition. Last evaluated: 2024-08-06. Review status: criteria provided, single submitter. Criteria: ACMG Guidelines, 2015. Collection method: clinical testing. Allele origin: germline. Inheritance: Autosomal dominant inheritance. Observed: 3 variant alleles, 3 heterozygotes.
Comment: This missense variant replaces glutamic acid with lysine at codon 2364 of the BRCA2 protein. Computational prediction suggests that this variant may not impact protein structure and function (internally defined REVEL score threshold <= 0.5, PMID: 27666373). To our knowledge, functional studies have not been reported for this variant. This variant has been reported in an individual affected with pancreatic cancer (PMID: 26483394). In a large breast cancer case-control study conducted by the BRIDGES consortium, this variant was reported in 1/60466 cases and 1/53461 unaffected controls (PMID: 33471991; Leiden Open Variation Database DB-ID BRCA2_007111). This variant has been identified in 1/251006 chromosomes in the general population by the Genome Aggregation Database (gnomAD). The available evidence is insufficient to determine the role of this variant in disease conclusively. Therefore, this variant is classified as a Variant of Uncertain Significance.

This study involves interpretation of variants in research participants for the purpose of population health screening. Participant phenotype was not available at the time of variant classification. Additional details can be found in publication PMID: 35346344, PMCID: PMC8962531

Baylor Genetics
Classification: Uncertain significance for Familial cancer of breast. Last evaluated: 2023-07-17. Review status: criteria provided, single submitter. Criteria: ACMG Guidelines, 2015. Collection method: clinical testing. Allele origin: unknown.

GeneDx
Classification: Uncertain significance. Last evaluated: 2023-06-14. Review status: criteria provided, single submitter. Criteria: GeneDx Variant Classification Process June 2021. Collection method: clinical testing. Allele origin: germline. Affected: yes.
Comment: Observed in individuals with pancreatic and breast cancer, but also in one unaffected control individual (Hu et al., 2016; Dorling et al., 2021); Not observed at significant frequency in large population cohorts (gnomAD); In silico analysis supports that this missense variant does not alter protein structure/function; Also known as 7318G>A; This variant is associated with the following publications: (PMID: 26483394, 33471991, 29884841, 32377563)

PreventionGenetics, part of Exact Sciences
Classification: Uncertain significance for BRCA2-related condition. Last evaluated: 2023-05-12. Review status: criteria provided, single submitter. Criteria: ACMG Guidelines, 2015. Collection method: clinical testing. Allele origin: germline.
Comment: The BRCA2 c.7090G>A variant is predicted to result in the amino acid substitution p.Glu2364Lys. This variant was reported in an individual with pancreatic cancer (Table S1, Hu et al. 2015. PubMed ID: 26483394). This variant was also documented in an affected individual and in a control from a large breast cancer cohort (Breast Cancer Association Consortium et al. 2021. PubMed ID: 33471991). This variant is reported in 0.00088% of alleles in individuals of European (Non-Finnish) descent in gnomAD and has conflicting interpretations of pathogenicity in ClinVar ranging from likely benign to uncertain. At this time, the clinical significance of this variant is uncertain due to the absence of conclusive functional and genetic evidence.